The following is an entry in ClinVar:

ClinVar aggregate classification (germline): Pathogenic/Likely pathogenic. Review status: criteria provided, multiple submitters, no conflicts (2 of 4 stars). 7 submissions from 7 submitters: Pathogenic (3); Likely pathogenic (2). 2 of the submissions do not count toward it. Last evaluated 2025-07-18.

Conditions:
MECOM-associated syndrome. Identifiers: MedGen CN305607, MONDO:0100458.
MECOM-related disorder. Also called: MECOM-related condition.
Radioulnar synostosis with amegakaryocytic thrombocytopenia 2 (RUSAT2). Also called: RADIOULNAR SYNOSTOSIS AND AMEGAKARYOCYTIC THROMBOCYTOPENIA 2. Identifiers: Orphanet 71289, MedGen C4225221, MONDO:0014758, OMIM 616738.

Submissions (7):

Broad Center for Mendelian Genomics, Broad Institute of MIT and Harvard
Classification: Likely pathogenic for MECOM-associated syndrome. Last evaluated: 2025-07-18. Review status: criteria provided, single submitter. Criteria: ACMG Guidelines, 2015. Collection method: research. Allele origin: germline. Inheritance: Autosomal dominant inheritance. Affected: yes.
Comment: The p.Arg938Trp (also known as p.Arg750Trp) variant in MECOM has been reported in at least 7 individuals with MECOM-associated syndrome (PMID: 29540340, 29200407, 295198642, 26581901, 29519864), and was absent from large population studies. This variant was found to be de novo in at least 5 individuals with and without confirmed paternity and maternity (PMID: 29540340, 29200407, 295198642). This variant has also been reported in ClinVar (VCV000218953.7) and has been interpreted as pathogenic by Baylor Genetics, GeneDx, Labcorp Genetics, OMIM and PreventionGenetics. In vitro functional studies provide some evidence that the p.Arg938Trp variant may slightly impact protein function (PMID: 26581901). However, these types of assays may not accurately represent biological function. Computational prediction tools and conservation analyses do not provide strong support for or against an impact to the protein. The p.Arg938Trp variant is located in a region of MECOM that is essential to protein folding and stability, suggesting that this variant is in a functional domain and slightly supports pathogenicity (PMID: 35219593). In summary, although additional studies are required to fully establish its clinical significance, this variant is likely pathogenic for autosomal dominant MECOM-associated syndrome. ACMG/AMP Criteria applied: PS2_moderate, PM1_supporting, PM2_supporting, PS3_supporting, PS4_supporting (Richards 2015).

Labcorp Genetics (formerly Invitae), Labcorp
Classification: Pathogenic. Last evaluated: 2025-07-07. Review status: criteria provided, single submitter. Criteria: Invitae Variant Classification Sherloc (09022015). Collection method: clinical testing. Allele origin: germline.
Comment: This sequence change replaces arginine, which is basic and polar, with tryptophan, which is neutral and slightly polar, at codon 750 of the MECOM protein (p.Arg750Trp). This variant is not present in population databases (gnomAD no frequency). This missense change has been observed in individual(s) with clinical features of radioulnar synostosis with amegakaryocytic thrombocytopenia (PMID: 26581901, 29146883, 29200407, 29519864). In at least one individual the variant was observed to be de novo. ClinVar contains an entry for this variant (Variation ID: 218953). An algorithm developed to predict the effect of missense changes on protein structure and function (PolyPhen-2) suggests that this variant is likely to be disruptive. Experimental studies have shown that this missense change affects MECOM function (PMID: 26581901, 35219593). For these reasons, this variant has been classified as Pathogenic.

Wendy Chung Laboratory, Boston Children's Hospital
Classification: Likely pathogenic for MECOM-associated syndrome. Last evaluated: 2025-04-30. Review status: criteria provided, single submitter. Criteria: ACMG Guidelines, 2015. Collection method: research. Allele origin: paternal. Affected: yes. Observed: 4 variant alleles.
Comment: NM_0004991.4:c.2812C>T p.(Arg938Trp) is a DNA single cytosine to thymine base substitution missense variant. The variant is absent from gnomAD v.4.1 (PM2_supporting). The variant was reported in 8 additional unrelated individuals diagnosed with MECOM-associated syndrome (PMID: 37407873) (PS4). MECOM has a low rate of benign missense variation and missense variants are a common mechanism of MECOM-associated syndrome (PP2). Multiple lines of compuational evidence supprt a deleterious effect (AlphaMissense = 0.999, CADD = 34) (PP3).

GeneDx
Classification: Pathogenic. Last evaluated: 2024-01-27. Review status: criteria provided, single submitter. Criteria: GeneDx Variant Classification Process June 2021. Collection method: clinical testing. Allele origin: germline. Affected: yes.
Comment: Not observed at significant frequency in large population cohorts (gnomAD); In silico analysis supports that this missense variant has a deleterious effect on protein structure/function; This variant is associated with the following publications: (PMID: 29519864, 20091385, 26581901, 29540340, 29097497, 29200407, 32098966, Pronama2021[Review], 35219593, 35470277, 36515795)

Baylor Genetics
Classification: Pathogenic for Radioulnar synostosis with amegakaryocytic thrombocytopenia 2. Last evaluated: 2020-11-18. Review status: criteria provided, single submitter. Criteria: ACMG Guidelines, 2015. Collection method: clinical testing. Allele origin: de novo. Affected: yes.
Comment: This variant was determined to be pathogenic according to ACMG Guidelines, 2015 [PMID:25741868].

PreventionGenetics, part of Exact Sciences
Classification: Pathogenic for MECOM-related condition. Last evaluated: 2024-05-10. Review status: no assertion criteria provided. Collection method: clinical testing. Allele origin: germline. Not counted in ClinVar's aggregate classification.
Comment: The MECOM c.2248C>T variant is predicted to result in the amino acid substitution p.Arg750Trp. This variant has been reported as a recurrent de novo variant in individuals with radioulnar synostosis with amegakaryocytic thrombocytopenia-2 (Niihori et al. 2015. PubMed ID: 26581901; Germeshausen et al. 2018. PubMed ID: 29540340; Lord et al. 2018. PubMed ID: 29200407; Walne et al. 2018. PubMed ID: 29519864). This variant has not been reported in a large population database, indicating this variant is rare. Given the evidence, we interpret c.2248C>T (p.Arg750Trp) as pathogenic.

OMIM
Classification: Pathogenic for RADIOULNAR SYNOSTOSIS AND AMEGAKARYOCYTIC THROMBOCYTOPENIA 2. Last evaluated: 2015-12-03. Review status: no assertion criteria provided. Collection method: literature only. Allele origin: germline. Not counted in ClinVar's aggregate classification.

Literature cited by the submitters: PubMed 26581901 (cited by Labcorp Genetics (formerly Invitae), Labcorp and OMIM); PubMed 29146883 (cited by Labcorp Genetics (formerly Invitae), Labcorp); PubMed 29200407 (cited by Labcorp Genetics (formerly Invitae), Labcorp); PubMed 29519864 (cited by Labcorp Genetics (formerly Invitae), Labcorp); PubMed 35219593 (cited by Labcorp Genetics (formerly Invitae), Labcorp); PubMed 37407873 (cited by Wendy Chung Laboratory, Boston Children's Hospital); PubMed 20091385 (cited by OMIM).

NM_004991.4(MECOM):c.2812C>T (p.Arg938Trp)

Gene: MECOM (MDS1 and EVI1 complex locus; minus strand). Cytogenetic location: 3q26.2.
Variant type: single nucleotide variant.
Coding change: c.2812C>T on transcript NM_004991.4 (MANE Select); coding-DNA position 2812, C replaced by T.
Protein change: p.Arg938Trp; replaces arginine 938 with tryptophan.
Molecular consequence: missense variant.
Genome position (GRCh38, 1-based): chr3:169,100,922, G>A on the plus strand (C>T on the coding strand, the complement: MECOM is on the minus strand). VCF-style: chr3-169100922-G-A. GRCh37 (hg19) VCF-style: chr3-168818710-G-A.
Other names: c.2443C>T, p.Arg815Trp (NM_001105077.4); c.2248C>T, p.Arg750Trp (NM_001105078.4, NM_001205194.2, NM_001366469.2 and 1 more transcripts); c.2224C>T, p.Arg742Trp (NM_001163999.2, NM_001366470.2); c.2221C>T, p.Arg741Trp (NM_001164000.2, NM_001366471.2, NM_001366472.2); c.2785C>T, p.Arg929Trp (NM_001366466.2); c.2251C>T, p.Arg751Trp (NM_001366467.2, NM_001366468.2); c.1813C>T, p.Arg605Trp (NM_001366473.2); c.1249C>T, p.Arg417Trp (NM_001366474.2); short protein forms R750W, R938W, R605W, R751W, R741W, R742W, R417W, R815W.
Identifiers: ClinVar variation 218953 (VCV000218953.10), dbSNP rs864309724, ClinGen allele CA278795.
Genomic context (GRCh38, chr3:169,100,922, plus strand): 5'-TTTAGCAAATATCATTGTCAGACCTGTAAGGCTGCTCTCCTGTGTGGGTTCTCAAGTGCC[G>A]TGTTAGGTTTGCAGACCTTGGAAAAATCTTGCCACAGTATCTGTTATGAAAAGATGTTTA-3'
Protein context (NP_004982.2, residues 928-948): KIFPRSANLT[Arg938Trp]HLRTHTGEQP